The following is an entry in ClinVar:

ClinVar aggregate classification (germline): Uncertain significance (1 of 4 stars; one submission).

Conditions:
Familial hypocalciuric hypercalcemia (FHH). Also called: Familial benign hypercalcemia. Identifiers: Orphanet 405, MedGen C1809471, MONDO:0018458.
Autosomal dominant hypocalcemia 1 (HYPOC1). Also called: HYPOCALCEMIA, FAMILIAL. Identifiers: MedGen C3715128, MONDO:0011013, OMIM 601198.

Submission:

Labcorp Genetics (formerly Invitae), Labcorp
Classification: Uncertain significance for Familial hypocalciuric hypercalcemia; Autosomal dominant hypocalcemia 1. Last evaluated: 2022-02-08. Review status: criteria provided, single submitter. Criteria: Invitae Variant Classification Sherloc (09022015). Collection method: clinical testing. Allele origin: germline.
Comment: This sequence change replaces cysteine, which is neutral and slightly polar, with serine, which is neutral and polar, at codon 851 of the CASR protein (p.Cys851Ser). This variant is not present in population databases (gnomAD no frequency). In summary, the available evidence is currently insufficient to determine the role of this variant in disease. Therefore, it has been classified as a Variant of Uncertain Significance. Experimental studies have shown that this missense change does not substantially affect CASR function (PMID: 20164288). Algorithms developed to predict the effect of missense changes on protein structure and function are either unavailable or do not agree on the potential impact of this missense change (SIFT: "Deleterious"; PolyPhen-2: "Probably Damaging"; Align-GVGD: "Class C0"). This missense change has been observed in individual(s) with hypoparathyroidism (PMID: 8733126).

Literature cited by the submitters: PubMed 20164288; PubMed 8733126.

NM_000388.4(CASR):c.2552G>C (p.Cys851Ser)

Gene: CASR (calcium sensing receptor; plus strand). Cytogenetic location: 3q21.1.
Variant type: single nucleotide variant.
Coding change: c.2552G>C on transcript NM_000388.4 (MANE Select); coding-DNA position 2552, G replaced by C.
Protein change: p.Cys851Ser; replaces cysteine 851 with serine.
Molecular consequence: missense variant.
Genome position (GRCh38, 1-based): chr3:122,284,506, G>C. VCF-style: chr3-122284506-G-C. GRCh37 (hg19) VCF-style: chr3-122003353-G-C.
Other names: c.2582G>C, p.Cys861Ser (NM_001178065.2); short protein forms C851S, C861S.
Identifiers: ClinVar variation 1974511 (VCV001974511.5), dbSNP rs2107650708, ClinGen allele CA354160268.